The following is an entry in ClinVar:

ClinVar aggregate classification (germline): Uncertain significance (1 of 4 stars; one submission).

Submission:

Labcorp Genetics (formerly Invitae), Labcorp
Classification: Uncertain significance. Last evaluated: 2022-03-01. Review status: criteria provided, single submitter. Criteria: Invitae Variant Classification Sherloc (09022015). Collection method: clinical testing. Allele origin: germline.
Comment: In summary, the available evidence is currently insufficient to determine the role of this variant in disease. Therefore, it has been classified as a Variant of Uncertain Significance. Algorithms developed to predict the effect of missense changes on protein structure and function are either unavailable or do not agree on the potential impact of this missense change (SIFT: "Tolerated"; PolyPhen-2: "Probably Damaging"; Align-GVGD: "Class C0"). This sequence change replaces glutamine, which is neutral and polar, with histidine, which is basic and polar, at codon 1423 of the DUOX2 protein (p.Gln1423His). This variant is not present in population databases (gnomAD no frequency). This variant has not been reported in the literature in individuals affected with DUOX2-related conditions.

NM_001363711.2(DUOX2):c.4269G>C (p.Gln1423His)

Gene: DUOX2 (dual oxidase 2; minus strand). Cytogenetic location: 15q21.1.
Variant type: single nucleotide variant.
Coding change: c.4269G>C on transcript NM_001363711.2 (MANE Select); coding-DNA position 4269, G replaced by C.
Protein change: p.Gln1423His; replaces glutamine 1423 with histidine.
Molecular consequence: missense variant.
Genome position (GRCh38, 1-based): chr15:45,095,062, C>G on the plus strand (G>C on the coding strand, the complement: DUOX2 is on the minus strand). VCF-style: chr15-45095062-C-G. GRCh37 (hg19) VCF-style: chr15-45387260-C-G.
Other names: c.4269G>C, p.Gln1423His (NM_014080.5); short protein forms Q1423H.
Identifiers: ClinVar variation 1977964 (VCV001977964.5), dbSNP rs762999576, ClinGen allele CA392250881.